The following is an entry in ClinVar:

NM_014391.3(ANKRD1):c.404T>A (p.Val135Glu)

Gene: ANKRD1 (ankyrin repeat domain 1; minus strand). Cytogenetic location: 10q23.31.
Variant type: single nucleotide variant.
Coding change: c.404T>A on transcript NM_014391.3 (MANE Select); coding-DNA position 404, T replaced by A.
Protein change: p.Val135Glu; replaces valine 135 with glutamic acid.
Molecular consequence: missense variant.
Genome position (GRCh38, 1-based): chr10:90,918,914, A>T on the plus strand (T>A on the coding strand, the complement: ANKRD1 is on the minus strand). VCF-style: chr10-90918914-A-T. GRCh37 (hg19) VCF-style: chr10-92678671-A-T.
Other names: short protein forms V135E.
Identifiers: ClinVar variation 658487 (VCV000658487.11), dbSNP rs995351186, ClinGen allele CA211424298.

ClinVar aggregate classification (germline): Uncertain significance. Review status: criteria provided, multiple submitters, no conflicts (2 of 4 stars). 2 submissions from 2 submitters: Uncertain significance (2). Last evaluated 2025-09-17.

Conditions:
Cardiovascular phenotype. Identifiers: MedGen CN230736.
ANKRD1-related dilated cardiomyopathy. Identifiers: MedGen CN119551.

Allele frequency attached by ClinVar (database versions not stated): gnomAD exomes below 0.00001 and 0.00002; gnomAD 0.00001.
gnomAD v4.1: 23 of 1,611,754 alleles (0.0014%); highest among the groups gnomAD compares: Non-Finnish European, 0.0019%; no homozygotes.

Submissions (2):

Ambry Genetics
Classification: Uncertain significance for Cardiovascular phenotype. Last evaluated: 2025-09-17. Review status: criteria provided, single submitter. Criteria: Ambry Variant Classification Scheme 2023. Collection method: clinical testing. Allele origin: germline.
Comment: The p.V135E variant (also known as c.404T>A), located in coding exon 4 of the ANKRD1 gene, results from a T to A substitution at nucleotide position 404. The valine at codon 135 is replaced by glutamic acid, an amino acid with dissimilar properties. This amino acid position is conserved. In addition, this alteration is predicted to be deleterious by in silico analysis. Since supporting evidence is limited at this time, the clinical significance of this alteration remains unclear.

Labcorp Genetics (formerly Invitae), Labcorp
Classification: Uncertain significance for ANKRD1-related dilated cardiomyopathy. Last evaluated: 2025-08-28. Review status: criteria provided, single submitter. Criteria: Invitae Variant Classification Sherloc (09022015). Collection method: clinical testing. Allele origin: germline.
Comment: This sequence change replaces valine, which is neutral and non-polar, with glutamic acid, which is acidic and polar, at codon 135 of the ANKRD1 protein (p.Val135Glu). This variant is present in population databases (no rsID available, gnomAD 0.0009%). This variant has not been reported in the literature in individuals affected with ANKRD1-related conditions. ClinVar contains an entry for this variant (Variation ID: 658487). Invitae Evidence Modeling of protein sequence and biophysical properties (such as structural, functional, and spatial information, amino acid conservation, physicochemical variation, residue mobility, and thermodynamic stability) indicates that this missense variant is not expected to disrupt ANKRD1 protein function with a negative predictive value of 80%. In summary, the available evidence is currently insufficient to determine the role of this variant in disease. Therefore, it has been classified as a Variant of Uncertain Significance.